The following is an entry in ClinVar:

ClinVar aggregate classification (germline): Uncertain significance (1 of 4 stars; one submission).

gnomAD v4.1: 3 of 1,614,080 alleles (0.00019%); highest among the groups gnomAD compares: Non-Finnish European, 0.00025%; no homozygotes.

Submission:

Labcorp Genetics (formerly Invitae), Labcorp
Classification: Uncertain significance. Last evaluated: 2025-06-20. Review status: criteria provided, single submitter. Criteria: Invitae Variant Classification Sherloc (09022015). Collection method: clinical testing. Allele origin: germline.
Comment: This sequence change replaces valine, which is neutral and non-polar, with methionine, which is neutral and non-polar, at codon 2696 of the VPS13D protein (p.Val2696Met). This variant is present in population databases (no rsID available, gnomAD 0.01%). This variant has not been reported in the literature in individuals affected with VPS13D-related conditions. Invitae Evidence Modeling of protein sequence and biophysical properties (such as structural, functional, and spatial information, amino acid conservation, physicochemical variation, residue mobility, and thermodynamic stability) indicates that this missense variant is not expected to disrupt VPS13D protein function with a negative predictive value of 80%. In summary, the available evidence is currently insufficient to determine the role of this variant in disease. Therefore, it has been classified as a Variant of Uncertain Significance.

NM_015378.4(VPS13D):c.8086G>A (p.Val2696Met)

Gene: VPS13D (vacuolar protein sorting 13 homolog D; plus strand). Cytogenetic location: 1p36.22.
Variant type: single nucleotide variant.
Coding change: c.8086G>A on transcript NM_015378.4 (MANE Select); coding-DNA position 8086, G replaced by A.
Protein change: p.Val2696Met; replaces valine 2696 with methionine.
Molecular consequence: missense variant.
Genome position (GRCh38, 1-based): chr1:12,327,743, G>A. VCF-style: chr1-12327743-G-A. GRCh37 (hg19) VCF-style: chr1-12387800-G-A.
Other names: c.8086G>A, p.Val2696Met (NM_018156.4); short protein forms V2696M.
Identifiers: ClinVar variation 4703388 (VCV004703388.1).
Genomic context (GRCh38, chr1:12,327,743, plus strand): 5'-AATGCGGAACCTCTGAAGTCTCTTTCCTTGGCCTCCACCAGCCGAGATAGCCCAGGGGCT[G>A]TGGCAGCGCCATTGATCTCTGGCGTGGAGATCAAAGCTGAGAGTGTGTGCATCTGTTTCA-3'
Protein context (NP_056193.2, residues 2686-2706): ASTSRDSPGA[Val2696Met]AAPLISGVEI